The following is an entry in ClinVar:

NM_006343.3(MERTK):c.2080-9A>G

Gene: MERTK (MER proto-oncogene, tyrosine kinase; plus strand). Cytogenetic location: 2q13.
Variant type: single nucleotide variant.
Coding change: c.2080-9A>G on transcript NM_006343.3 (MANE Select); 9 bases into the intron before coding-DNA position 2080, A replaced by G.
Molecular consequence: intron variant.
Genome position (GRCh38, 1-based): chr2:112,019,404, A>G. VCF-style: chr2-112019404-A-G. GRCh37 (hg19) VCF-style: chr2-112776981-A-G.
Other names: c.2080-9A>G (NM_006343.2).
Identifiers: ClinVar variation 1143656 (VCV001143656.11), dbSNP rs774799410, ClinGen allele CA1831711.
Genomic context (GRCh38, chr2:112,019,404, plus strand): 5'-CGGCAGAAACTGCTTGCAAGTTTTCCTTTTTAAAAGATAGTCTTTCTTCTTGTTTCCTCT[A>G]TCATCTAGCATATTCCTCTGCAGACACTATTGAAGTTCATGGTGGATATTGCCCTGGGAA-3'

ClinVar aggregate classification (germline): Likely benign. Review status: criteria provided, multiple submitters, no conflicts (2 of 4 stars). 3 submissions from 3 submitters: Likely benign (3). Last evaluated 2026-07-14.

Conditions:
MERTK-related disorder. Also called: MERTK-related condition.

Allele frequency attached by ClinVar (database versions not stated): gnomAD 0.00004; TOPMed 0.00004; gnomAD exomes 0.00005 and 0.00006; ExAC 0.00007.
gnomAD v4.1: 83 of 1,595,014 alleles (0.0052%); highest among the groups gnomAD compares: Middle Eastern, 0.017%; no homozygotes.

Submissions (3):

PreventionGenetics, part of Exact Sciences
Classification: Likely benign for MERTK-related condition. Last evaluated: 2026-07-14. Review status: criteria provided, single submitter. Criteria: ACMG Guidelines, 2015. Collection method: clinical testing. Allele origin: germline.
Comment: This variant is classified as likely benign based on ACMG/AMP sequence variant interpretation guidelines (Richards et al. 2015 PMID: 25741868, with internal and published modifications).

Labcorp Genetics (formerly Invitae), Labcorp
Classification: Likely benign. Last evaluated: 2025-07-15. Review status: criteria provided, single submitter. Criteria: Invitae Variant Classification Sherloc (09022015). Collection method: clinical testing. Allele origin: germline.

Blueprint Genetics
Classification: Likely benign. Last evaluated: 2024-03-09. Review status: criteria provided, single submitter. Criteria: ACMG Guidelines, 2015. Collection method: clinical testing. Allele origin: germline.